The following is an entry in ClinVar:

ClinVar aggregate classification (germline): Pathogenic/Likely pathogenic. Review status: criteria provided, multiple submitters, no conflicts (2 of 4 stars). 4 submissions from 4 submitters: Pathogenic (3); Likely pathogenic (1). Last evaluated 2025-09-16.

Conditions:
Marfan Syndrome/Loeys-Dietz Syndrome/Familial Thoracic Aortic Aneurysms and Dissections. Identifiers: MedGen CN229799.
Marfan syndrome (MFS). Also called: MARFAN SYNDROME, TYPE I; FBN1-Related Marfan Syndrome; Marfan syndrome type 1; Marfan's syndrome; Marfan syndrome, classic. Identifiers: Orphanet 284963, Orphanet 558, MedGen C0024796, MONDO:0007947, OMIM 154700.
Familial thoracic aortic aneurysm and aortic dissection (TAAD). Also called: Thoracic aortic aneurysms and dissections. Identifiers: Orphanet 91387, MedGen C4707243, MONDO:0019625.

Submissions (4):

Ambry Genetics
Classification: Pathogenic for Familial thoracic aortic aneurysm and aortic dissection. Last evaluated: 2025-09-16. Review status: criteria provided, single submitter. Criteria: Ambry Variant Classification Scheme 2023. Collection method: clinical testing. Allele origin: germline.
Comment: The p.E616* pathogenic mutation (also known as c.1846G>T), located in coding exon 15 of the FBN1 gene, results from a G to T substitution at nucleotide position 1846. This changes the amino acid from a glutamic acid to a stop codon within coding exon 15. This variant is considered to be rare based on population cohorts in the Genome Aggregation Database (gnomAD). This alteration is expected to result in loss of function by premature protein truncation or nonsense-mediated mRNA decay. As such, this alteration is interpreted as a disease-causing mutation.

Women's Health and Genetics/Laboratory Corporation of America, LabCorp
Classification: Pathogenic for Marfan Syndrome/Loeys-Dietz Syndrome/Familial Thoracic Aortic Aneurysms and Dissections. Last evaluated: 2025-02-13. Review status: criteria provided, single submitter. Criteria: LabCorp Variant Classification Summary - May 2015. Collection method: clinical testing. Allele origin: germline.
Comment: Variant summary: FBN1 c.1846G>T (p.Glu616X) results in a premature termination codon, predicted to cause a truncation of the encoded protein or absence of the protein due to nonsense mediated decay, which are commonly known mechanisms for disease. The variant was absent in 251434 control chromosomes. To our knowledge, no occurrence of c.1846G>T in individuals affected with FBN1-related conditions and no experimental evidence demonstrating its impact on protein function have been reported. ClinVar contains an entry for this variant (Variation ID: 432209). Based on the evidence outlined above, the variant was classified as pathogenic.

Labcorp Genetics (formerly Invitae), Labcorp
Classification: Pathogenic for Marfan syndrome; Familial thoracic aortic aneurysm and aortic dissection. Last evaluated: 2024-12-05. Review status: criteria provided, single submitter. Criteria: Invitae Variant Classification Sherloc (09022015). Collection method: clinical testing. Allele origin: germline.
Comment: This sequence change creates a premature translational stop signal (p.Glu616*) in the FBN1 gene. It is expected to result in an absent or disrupted protein product. Loss-of-function variants in FBN1 are known to be pathogenic (PMID: 17657824, 19293843). This variant is not present in population databases (gnomAD no frequency). This variant has not been reported in the literature in individuals affected with FBN1-related conditions. ClinVar contains an entry for this variant (Variation ID: 432209). For these reasons, this variant has been classified as Pathogenic.

GeneDx
Classification: Likely pathogenic. Last evaluated: 2016-07-14. Review status: criteria provided, single submitter. Criteria: GeneDx Variant Classification (06012015). Collection method: clinical testing. Allele origin: germline. Affected: yes.
Comment: The E616X variant in the FBN1 gene has not been reported as a pathogenic variant or as a benign variant to our knowledge. E616X is predicted to cause loss of normal protein function either by protein truncation or nonsense-mediated mRNA decay. Other nonsense variants in the FBN1 gene have been reported in HGMD in association with Marfan syndrome (Stenson et al., 2014). Furthermore, the E616X likely pathogenic variant was not observed in approximately 6,500 individuals of European and African American ancestry in the NHLBI Exome Sequencing Project, indicating it is not a common benign variant in these populations.In summary, E616X in the FBN1 gene is expected to be pathogenic,

Literature cited by the submitters: PubMed 17657824 (cited by Labcorp Genetics (formerly Invitae), Labcorp); PubMed 19293843 (cited by Labcorp Genetics (formerly Invitae), Labcorp).

NM_000138.5(FBN1):c.1846G>T (p.Glu616Ter)

Gene: FBN1 (fibrillin 1; minus strand). Cytogenetic location: 15q21.1.
Variant type: single nucleotide variant.
Coding change: c.1846G>T on transcript NM_000138.5 (MANE Select); coding-DNA position 1846, G replaced by T.
Protein change: p.Glu616Ter; replaces glutamic acid 616 with a stop codon.
Molecular consequence: nonsense.
Genome position (GRCh38, 1-based): chr15:48,505,139, C>A on the plus strand (G>T on the coding strand, the complement: FBN1 is on the minus strand). VCF-style: chr15-48505139-C-A. GRCh37 (hg19) VCF-style: chr15-48797336-C-A.
Other names: short protein forms E616*.
Identifiers: ClinVar variation 432209 (VCV000432209.8), dbSNP rs397515764, ClinGen allele CA392339193.
Genomic context (GRCh38, chr15:48,505,139, plus strand): 5'-TGTAGGAGCCATCAGTGTTGACGCAACGCCCATTCATGCAGATCCCAGGGGTTTCACACT[C>A]GTTAATGTCTGTGGCAGAGAAAGGCACTTATTAAAAATGAAGTGACATTTATCTAAAATT-3'